The following is an entry in ClinVar:

NM_005140.3(CNGA2):c.796C>T (p.Arg266Cys)

Gene: CNGA2 (cyclic nucleotide gated channel subunit alpha 2; plus strand). Cytogenetic location: Xq28.
Variant type: single nucleotide variant.
Coding change: c.796C>T on transcript NM_005140.3 (MANE Select); coding-DNA position 796, C replaced by T.
Protein change: p.Arg266Cys; replaces arginine 266 with cysteine.
Molecular consequence: missense variant.
Genome position (GRCh38, 1-based): chrX:151,743,299, C>T. VCF-style: chrX-151743299-C-T. GRCh37 (hg19) VCF-style: chrX-150911771-C-T.
Other names: short protein forms R266C.
Identifiers: ClinVar variation 2661653 (VCV002661653.24), dbSNP rs187014401, ClinGen allele CA10541849.
Genomic context (GRCh38, chrX:151,743,299, plus strand): 5'-CGCTTCAACCGCCTGCTGCACTTTGCCCGCATGTTTGAGTTCTTTGACCGGACAGAGACA[C>T]GCACCAACTACCCTAACATCTTCCGCATCAGCAACCTTGTCCTCTACATCTTGGTCATCA-3'
Protein context (NP_005131.1, residues 256-276): MFEFFDRTET[Arg266Cys]TNYPNIFRIS

ClinVar aggregate classification (germline): Likely benign (1 of 4 stars; one submission).

Allele frequency attached by ClinVar (database versions not stated): TOPMed 0.00004; ExAC 0.00005; ESP Exome Variant Server 0.00009; gnomAD 0.00009; 1000 Genomes Project 30x 0.00021; 1000 Genomes Project 0.00026.

Submission:

CeGaT Center for Human Genetics Tuebingen
Classification: Likely benign. Last evaluated: 2023-01-01. Review status: criteria provided, single submitter. Criteria: CeGaT Center For Human Genetics Tuebingen Variant Classification Criteria Version 2. Collection method: clinical testing. Allele origin: germline. Affected: yes. Observed: 1 variant allele.
Comment: CNGA2: PP3, BS2